The following is an entry in ClinVar:

ClinVar aggregate classification (germline): Conflicting classifications of pathogenicity. Review status: criteria provided, conflicting classifications (1 of 4 stars). 2 submissions from 2 submitters: Uncertain significance (1); Likely benign (1). Last evaluated 2024-09-09.

Conditions:
Inborn genetic diseases. Identifiers: MedGen C0950123, MeSH D030342.
Mucopolysaccharidosis type 1. Also called: IDUA deficiency; MPS I. Identifiers: Orphanet 579, MedGen C0023786, MONDO:0001586.

Allele frequency attached by ClinVar (database versions not stated): TOPMed 0.00003.
gnomAD v4.1: 1 of 1,605,632 alleles (0.000062%); highest among the groups gnomAD compares: Non-Finnish European, 0.000085%; no homozygotes.

Submissions (2):

Ambry Genetics
Classification: Likely benign for Inborn genetic diseases. Last evaluated: 2024-09-09. Review status: criteria provided, single submitter. Criteria: Ambry Variant Classification Scheme 2023. Collection method: clinical testing. Allele origin: germline.

Labcorp Genetics (formerly Invitae), Labcorp
Classification: Uncertain significance for Mucopolysaccharidosis type 1. Last evaluated: 2022-02-08. Review status: criteria provided, single submitter. Criteria: Invitae Variant Classification Sherloc (09022015). Collection method: clinical testing. Allele origin: germline.
Comment: This sequence change replaces aspartic acid, which is acidic and polar, with asparagine, which is neutral and polar, at codon 243 of the IDUA protein (p.Asp243Asn). This variant is not present in population databases (gnomAD no frequency). This variant has not been reported in the literature in individuals affected with IDUA-related conditions. Advanced modeling of protein sequence and biophysical properties (such as structural, functional, and spatial information, amino acid conservation, physicochemical variation, residue mobility, and thermodynamic stability) performed at Invitae indicates that this missense variant is not expected to disrupt IDUA protein function. In summary, the available evidence is currently insufficient to determine the role of this variant in disease. Therefore, it has been classified as a Variant of Uncertain Significance.

NM_000203.5(IDUA):c.727G>A (p.Asp243Asn)

Gene: IDUA (alpha-L-iduronidase; plus strand). Cytogenetic location: 4p16.3.
Variant type: single nucleotide variant.
Coding change: c.727G>A on transcript NM_000203.5 (MANE Select); coding-DNA position 727, G replaced by A.
Protein change: p.Asp243Asn; replaces aspartic acid 243 with asparagine.
Molecular consequence: missense variant. On other transcripts: non-coding transcript variant (1).
Genome position (GRCh38, 1-based): chr4:1,001,816, G>A. VCF-style: chr4-1001816-G-A. GRCh37 (hg19) VCF-style: chr4-995604-G-A.
Other names: c.331G>A, p.Asp111Asn (NM_001363576.1); c.727G>A (NM_000203.3); short protein forms D111N, D243N.
Identifiers: ClinVar variation 1439988 (VCV001439988.4), dbSNP rs1460797649, ClinGen allele CA355962147.